The following is an entry in ClinVar:

ClinVar aggregate classification (germline): Uncertain significance (1 of 4 stars; one submission).

gnomAD v4.1: 3 of 1,309,132 alleles (0.00023%); highest among the groups gnomAD compares: East Asian, 0.0035%; no homozygotes.

Submission:

Ambry Genetics
Classification: Uncertain significance. Last evaluated: 2025-11-25. Review status: criteria provided, single submitter. Criteria: Ambry Variant Classification Scheme 2023. Collection method: clinical testing. Allele origin: germline.
Comment: The p.P63L variant (also known as c.188C>T), located in coding exon 1 of the WNK2 gene, results from a C to T substitution at nucleotide position 188. The proline at codon 63 is replaced by leucine, an amino acid with similar properties. This amino acid position is conserved. In addition, this alteration is predicted to be tolerated by in silico analysis. Based on the available evidence, the clinical significance of this variant remains unclear.

NM_006648.4(WNK2):c.188C>T (p.Pro63Leu)

Gene: WNK2 (WNK lysine deficient protein kinase 2; plus strand). Cytogenetic location: 9q22.31.
Variant type: single nucleotide variant.
Coding change: c.188C>T on transcript NM_006648.4 (MANE Select); coding-DNA position 188, C replaced by T.
Protein change: p.Pro63Leu; replaces proline 63 with leucine.
Molecular consequence: missense variant.
Genome position (GRCh38, 1-based): chr9:93,185,117, C>T. VCF-style: chr9-93185117-C-T. GRCh37 (hg19) VCF-style: chr9-95947399-C-T.
Other names: c.188C>T, p.Pro63Leu (NM_001282394.3); short protein forms P63L.
Identifiers: ClinVar variation 4605391 (VCV004605391.1).
Genomic context (GRCh38, chr9:93,185,117, plus strand): 5'-GGCGCAGCGTGGTAGAGTCGGACCAGGAGGAGCCGCCGGGCTTGGAGGCAGCCGAGGCGC[C>T]GGGCCCGCAGCCCCCGCAGCCCCTGCAGCGCCGGGTGCTTCTGCTCTGCAAGACGCGCCG-3'
Protein context (NP_006639.3, residues 53-73): EPPGLEAAEA[Pro63Leu]GPQPPQPLQR